The following is an entry in ClinVar:

NM_022773.4(LMF1):c.1034A>C (p.Gln345Pro)

Gene: LMF1 (lipase maturation factor 1; minus strand). Cytogenetic location: 16p13.3.
Variant type: single nucleotide variant.
Coding change: c.1034A>C on transcript NM_022773.4 (MANE Select); coding-DNA position 1034, A replaced by C.
Protein change: p.Gln345Pro; replaces glutamine 345 with proline.
Molecular consequence: missense variant. On other transcripts: non-coding transcript variant (1).
Genome position (GRCh38, 1-based): chr16:871,205, T>G on the plus strand (A>C on the coding strand, the complement: LMF1 is on the minus strand). VCF-style: chr16-871205-T-G. GRCh37 (hg19) VCF-style: chr16-921205-T-G.
Other names: c.383A>C, p.Gln128Pro (NM_001352017.2, NM_001352021.2); c.635A>C, p.Gln212Pro (NM_001352018.2); c.707A>C, p.Gln236Pro (NM_001352019.2); c.1034A>C, p.Gln345Pro (NM_001352020.1); short protein forms Q212P, Q236P, Q128P, Q345P.
Identifiers: ClinVar variation 3538668 (VCV003538668.1).

ClinVar aggregate classification (germline): Uncertain significance (1 of 4 stars; one submission).

Conditions:
Cardiovascular phenotype. Identifiers: MedGen CN230736.

Submission:

Ambry Genetics
Classification: Uncertain significance for Cardiovascular phenotype. Last evaluated: 2024-09-20. Review status: criteria provided, single submitter. Criteria: Ambry Variant Classification Scheme 2023. Collection method: clinical testing. Allele origin: germline.
Comment: The p.Q345P variant (also known as c.1034A>C), located in coding exon 7 of the LMF1 gene, results from an A to C substitution at nucleotide position 1034. The glutamine at codon 345 is replaced by proline, an amino acid with similar properties. This amino acid position is conserved. In addition, this alteration is predicted to be tolerated by in silico analysis. Based on the available evidence, the clinical significance of this variant remains unclear.